The following is an entry in ClinVar:

ClinVar aggregate classification (germline): Conflicting classifications of pathogenicity. Review status: criteria provided, conflicting classifications (1 of 4 stars). 3 submissions from 3 submitters: Uncertain significance (1); Benign (1); Likely benign (1). Last evaluated 2024-02-29.

Conditions:
Inborn genetic diseases. Identifiers: MedGen C0950123, MeSH D030342.
Alpha thalassemia-X-linked intellectual disability syndrome (ATRX). Also called: ALPHA-THALASSEMIA/MENTAL RETARDATION SYNDROME, X-LINKED; ATR, NONDELETION TYPE; ATR-X syndrome; Alpha thalassemia mental retardation syndrome, nondeletion type, X-linked; XLMR hypotonic face syndrome; X-linked alpha-thalassemia-mental retardation syndrome. Identifiers: Orphanet 847, MedGen C1845055, MONDO:0010519, OMIM 301040.
Intellectual disability-hypotonic facies syndrome, X-linked, 1 (MRXHF1). Also called: X-linked intellectual disability-hypotonic face syndrome; XLMR-HYPOTONIC FACIES SYNDROME; CHUDLEY-LOWRY SYNDROME; Chudley syndrome 1; Chudley-Lowry-Hoar syndrome; Carpenter-Waziri syndrome. Identifiers: Orphanet 73220, Orphanet 93970, Orphanet 93971, Orphanet 93972, Orphanet 93973, Orphanet 93974, Orphanet 93975, MedGen C4759781, MONDO:0010663, OMIM 309580.

Allele frequency attached by ClinVar (database versions not stated): gnomAD exomes 0.00001; gnomAD 0.00003; TOPMed 0.00006.
gnomAD v4.1: 7 of 1,207,809 alleles (0.00058%); highest among the groups gnomAD compares: African/African-American, 0.012%; no homozygotes.

Submissions (3):

Labcorp Genetics (formerly Invitae), Labcorp
Classification: Benign for Alpha thalassemia-X-linked intellectual disability syndrome. Last evaluated: 2024-02-29. Review status: criteria provided, single submitter. Criteria: Invitae Variant Classification Sherloc (09022015). Collection method: clinical testing. Allele origin: germline.

Ambry Genetics
Classification: Likely benign for Inborn genetic diseases. Last evaluated: 2021-11-11. Review status: criteria provided, single submitter. Criteria: Ambry Variant Classification Scheme 2023. Collection method: clinical testing. Allele origin: germline.

Baylor Genetics
Classification: Uncertain significance for Intellectual disability-hypotonic facies syndrome, X-linked, 1. Last evaluated: 2020-08-25. Review status: criteria provided, single submitter. Criteria: ACMG Guidelines, 2015. Collection method: clinical testing. Allele origin: unknown. Affected: yes.
Comment: This variant was determined to be of uncertain significance according to ACMG Guidelines, 2015 [PMID:25741868].

NM_000489.6(ATRX):c.2329G>C (p.Gly777Arg)

Gene: ATRX (ATRX chromatin remodeler; minus strand). Cytogenetic location: Xq21.1.
Variant type: single nucleotide variant.
Coding change: c.2329G>C on transcript NM_000489.6 (MANE Select); coding-DNA position 2329, G replaced by C.
Protein change: p.Gly777Arg; replaces glycine 777 with arginine.
Molecular consequence: missense variant.
Genome position (GRCh38, 1-based): chrX:77,682,927, C>G on the plus strand (G>C on the coding strand, the complement: ATRX is on the minus strand). VCF-style: chrX-77682927-C-G. GRCh37 (hg19) VCF-style: chrX-76938419-C-G.
Other names: c.2215G>C, p.Gly739Arg (NM_138270.5); short protein forms G739R, G777R.
Identifiers: ClinVar variation 1028789 (VCV001028789.7), dbSNP rs1411348345, ClinGen allele CA413712657.
Genomic context (GRCh38, chrX:77,682,927, plus strand): 5'-ATTTGCCCTTTTTAGTATCAAAATCTGAGCCAGATGTAGAACTTTTTCGTTTCCTTTTTC[C>G]TTTATCATCTTTCCCCGCCTGAGTCTTTAAATCATACAAAGTCTTATGGTTTGTATGAAT-3'
Protein context (NP_000480.3, residues 767-787): LKTQAGKDDK[Gly777Arg]KRKRKSSTSG